The following is an entry in ClinVar:

ClinVar aggregate classification (germline): Pathogenic/Likely pathogenic. Review status: criteria provided, multiple submitters, no conflicts (2 of 4 stars). 2 submissions from 2 submitters: Pathogenic (1); Likely pathogenic (1). Last evaluated 2019-10-01.

Conditions:
Supravalvar aortic stenosis (SVAS). Also called: Supravalvar aortic stenosis, Eisenberg type. Identifiers: Orphanet 3193, MedGen C0003499, MONDO:0008504, OMIM 185500, HP:0004381.

Submissions (2):

Labcorp Genetics (formerly Invitae), Labcorp
Classification: Pathogenic for Supravalvar aortic stenosis. Last evaluated: 2019-10-01. Review status: criteria provided, single submitter. Criteria: Invitae Variant Classification Sherloc (09022015). Collection method: clinical testing. Allele origin: germline.
Comment: For these reasons, this variant has been classified as Pathogenic. Loss-of-function variants in ELN are known to be pathogenic (PMID: 11175284). Algorithms developed to predict the effect of sequence changes on RNA splicing suggest that this variant may disrupt the consensus splice site, but this prediction has not been confirmed by published transcriptional studies. This variant has not been reported in the literature in individuals with ELN-related conditions. ClinVar contains an entry for this variant (Variation ID: 163397). This variant is not present in population databases (ExAC no frequency). This sequence change creates a premature translational stop signal (p.Gly682*) in the ELN gene. It is expected to result in an absent or disrupted protein product.

Laboratory for Molecular Medicine, Mass General Brigham Personalized Medicine
Classification: Likely pathogenic for Supravalvular aortic stenosis. Last evaluated: 2010-10-22. Review status: criteria provided, single submitter. Criteria: LMM Criteria. Collection method: clinical testing. Allele origin: germline. Observed: 4 variant alleles.
Comment: The 1858G>T (Gly620X) variant has not been previously reported and is expected t o lead to heterozygous loss of function of the Elastin (ELN) gene by one or both of the following mechanisms. It creates a premature stop codon at position 620, which is predicted to lead to either truncated or absent protein (loss of funct ion). In addition, the 1858G>T variant affects the last base of exon 27, which i s part of the splicing consensus sequence and four computational tools predict t hat it severely affects splicing. Loss of function is an established mechanism of disease for the ELN gene (Human Genome Mutation Database, HGMD), which makes it highly likely that the 1858G>T variant is pathogenic.

Literature cited by the submitters: PubMed 11175284 (cited by Labcorp Genetics (formerly Invitae), Labcorp).

NM_000501.4(ELN):c.1858G>T (p.Gly620Ter)

Gene: ELN (elastin; plus strand). Cytogenetic location: 7q11.23.
Variant type: single nucleotide variant.
Coding change: c.1858G>T on transcript NM_000501.4 (MANE Select); coding-DNA position 1858, G replaced by T.
Protein change: p.Gly620Ter; replaces glycine 620 with a stop codon.
Molecular consequence: nonsense.
Genome position (GRCh38, 1-based): chr7:74,063,224, G>T. VCF-style: chr7-74063224-G-T. GRCh37 (hg19) VCF-style: chr7-73477554-G-T.
Other names: (hg19)chr7:g.73474706-73474930:c.1957G>T; c.1771G>T, p.Gly591Ter (NM_001081752.3); c.1816G>T, p.Gly606Ter (NM_001081753.3); c.1873G>T, p.Gly625Ter (NM_001081754.3); c.1801G>T, p.Gly601Ter (NM_001081755.3); c.1858G>T, p.Gly620Ter (NM_001278912.2); c.1615G>T, p.Gly539Ter (NM_001278913.2); c.1786G>T, p.Gly596Ter (NM_001278914.2); and 5 more; short protein forms G620*, G682*, G539*, G596*, G606*, G626*, G572*, G601*.
Identifiers: ClinVar variation 163397 (VCV000163397.11), dbSNP rs727503034, ClinGen allele CA281480.